The following is an entry in ClinVar:

ClinVar aggregate classification (germline): Uncertain significance. Review status: criteria provided, multiple submitters, no conflicts (2 of 4 stars). 2 submissions from 2 submitters: Uncertain significance (2). Last evaluated 2025-12-10.

Conditions:
Autosomal recessive limb-girdle muscular dystrophy type 2A (LGMDR1). Also called: Calpainopathy; MUSCULAR DYSTROPHY, PELVOFEMORAL; Limb-girdle muscular dystrophy, type 2A; Muscular dystrophy, limb-girdle, type 2A, Amish; LEYDEN-MOEBIUS MUSCULAR DYSTROPHY. Identifiers: Orphanet 267, MedGen C1869123, MONDO:0009675, OMIM 253600. Disease mechanism: loss of function.

Allele frequency attached by ClinVar (database versions not stated): gnomAD exomes below 0.00001; gnomAD 0.00001.
gnomAD v4.1: 3 of 1,613,948 alleles (0.00019%); highest among the groups gnomAD compares: Non-Finnish European, 0.00025%; no homozygotes.

Submissions (2):

Labcorp Genetics (formerly Invitae), Labcorp
Classification: Uncertain significance for Autosomal recessive limb-girdle muscular dystrophy type 2A. Last evaluated: 2025-12-10. Review status: criteria provided, single submitter. Criteria: Invitae Variant Classification Sherloc (09022015). Collection method: clinical testing. Allele origin: germline.
Comment: This sequence change replaces glutamic acid, which is acidic and polar, with glycine, which is neutral and non-polar, at codon 383 of the CAPN3 protein (p.Glu383Gly). This variant is not present in population databases (gnomAD no frequency). This variant has not been reported in the literature in individuals affected with CAPN3-related conditions. ClinVar contains an entry for this variant (Variation ID: 288418). Invitae Evidence Modeling of protein sequence and biophysical properties (such as structural, functional, and spatial information, amino acid conservation, physicochemical variation, residue mobility, and thermodynamic stability) indicates that this missense variant is expected to disrupt CAPN3 protein function with a positive predictive value of 80%. In summary, the available evidence is currently insufficient to determine the role of this variant in disease. Therefore, it has been classified as a Variant of Uncertain Significance.

Eurofins Ntd Llc (ga)
Classification: Uncertain significance. Last evaluated: 2016-06-01. Review status: criteria provided, single submitter. Criteria: EGL Classification Definitions 2015. Collection method: clinical testing. Allele origin: germline. Observed: 1 variant allele, 1 heterozygote.

NM_000070.3(CAPN3):c.1148A>G (p.Glu383Gly)

Gene: CAPN3 (calpain 3; plus strand). Cytogenetic location: 15q15.1.
Variant type: single nucleotide variant.
Coding change: c.1148A>G on transcript NM_000070.3 (MANE Select); coding-DNA position 1148, A replaced by G.
Protein change: p.Glu383Gly; replaces glutamic acid 383 with glycine.
Molecular consequence: missense variant.
Genome position (GRCh38, 1-based): chr15:42,396,832, A>G. VCF-style: chr15-42396832-A-G. GRCh37 (hg19) VCF-style: chr15-42689030-A-G.
Other names: c.1148A>G, p.Glu383Gly (NM_024344.2); c.1004A>G, p.Glu335Gly (NM_173087.2); short protein forms E383G, E335G.
Identifiers: ClinVar variation 288418 (VCV000288418.6), dbSNP rs886043889, ClinGen allele CA10606079.
Genomic context (GRCh38, chr15:42,396,832, plus strand): 5'-TTCCTTAATTCCTCCATTTTCCCACCAGATGGAAGGACTGGAGCTTTGTGGACAAAGATG[A>G]GAAGGCCCGTCTGCAGCACCAGGTCACTGAGGATGGAGAGTTCTGGTGAGTCCAGAACCC-3'
Protein context (NP_000061.1, residues 373-393): WKDWSFVDKD[Glu383Gly]KARLQHQVTE